The following is an entry in ClinVar:

NM_022765.4(MICAL1):c.2314A>G (p.Thr772Ala)

Gene: MICAL1 (microtubule associated monooxygenase, calponin and LIM domain containing 1; minus strand). Cytogenetic location: 6q21.
Variant type: single nucleotide variant.
Coding change: c.2314A>G on transcript NM_022765.4 (MANE Select); coding-DNA position 2314, A replaced by G.
Protein change: p.Thr772Ala; replaces threonine 772 with alanine.
Molecular consequence: missense variant.
Genome position (GRCh38, 1-based): chr6:109,446,403, T>C on the plus strand (A>G on the coding strand, the complement: MICAL1 is on the minus strand). VCF-style: chr6-109446403-T-C. GRCh37 (hg19) VCF-style: chr6-109767606-T-C.
Other names: c.2056A>G, p.Thr686Ala (NM_001159291.2); c.2371A>G, p.Thr791Ala (NM_001286613.2); short protein forms T772A, T791A, T686A.
Identifiers: ClinVar variation 1943741 (VCV001943741.5), dbSNP rs746354485, ClinGen allele CA3952931.

ClinVar aggregate classification (germline): Uncertain significance (1 of 4 stars; one submission).

Allele frequency attached by ClinVar (database versions not stated): TOPMed 0.00001; gnomAD exomes 0.00002; ExAC 0.00003; gnomAD 0.00006.
gnomAD v4.1: 23 of 1,246,568 alleles (0.0018%); highest among the groups gnomAD compares: African/African-American, 0.016%; no homozygotes.

Submission:

Labcorp Genetics (formerly Invitae), Labcorp
Classification: Uncertain significance. Last evaluated: 2022-04-15. Review status: criteria provided, single submitter. Criteria: Invitae Variant Classification Sherloc (09022015). Collection method: clinical testing. Allele origin: germline.
Comment: In summary, the available evidence is currently insufficient to determine the role of this variant in disease. Therefore, it has been classified as a Variant of Uncertain Significance. Algorithms developed to predict the effect of missense changes on protein structure and function output the following: SIFT: "Tolerated"; PolyPhen-2: "Benign"; Align-GVGD: "Class C0". The alanine amino acid residue is found in multiple mammalian species, which suggests that this missense change does not adversely affect protein function. This variant has not been reported in the literature in individuals affected with MICAL1-related conditions. This variant is present in population databases (rs746354485, gnomAD 0.01%). This sequence change replaces threonine, which is neutral and polar, with alanine, which is neutral and non-polar, at codon 791 of the MICAL1 protein (p.Thr791Ala).